The following is an entry in ClinVar:

NM_000443.4(ABCB4):c.1778C>T (p.Thr593Met)

Gene: ABCB4 (ATP binding cassette subfamily B member 4; minus strand). Cytogenetic location: 7q21.12.
Variant type: single nucleotide variant.
Coding change: c.1778C>T on transcript NM_000443.4 (MANE Select); coding-DNA position 1778, C replaced by T.
Protein change: p.Thr593Met; replaces threonine 593 with methionine.
Molecular consequence: missense variant.
Genome position (GRCh38, 1-based): chr7:87,431,519, G>A on the plus strand (C>T on the coding strand, the complement: ABCB4 is on the minus strand). VCF-style: chr7-87431519-G-A. GRCh37 (hg19) VCF-style: chr7-87060835-G-A.
Other names: c.1778C>T, p.Thr593Met (NM_018849.3, NM_018850.3); short protein forms T593M.
Identifiers: ClinVar variation 812981 (VCV000812981.8), dbSNP rs571555115, ClinGen allele CA4327209.

ClinVar aggregate classification (germline): Conflicting classifications of pathogenicity. Review status: criteria provided, conflicting classifications (1 of 4 stars). 5 submissions from 5 submitters: Likely pathogenic (2); Uncertain significance (1). 2 of the submissions do not count toward it. Last evaluated 2026-04-27.

Conditions:
ABCB4-related disorder. Also called: ABCB4-related disorders; ABCB4-related condition.
Low phospholipid associated cholelithiasis (GBD1). Also called: Gallbladder disease 1; Gallstone cholecystitis. Identifiers: Orphanet 69663, MedGen C2609268, MONDO:0010939, OMIM 600803.
Familial intrahepatic cholestasis. Identifiers: Orphanet 284385, MedGen CN296401, MONDO:0017290.
Cholestasis, intrahepatic, of pregnancy, 3. Identifiers: Orphanet 69665, MedGen C3554241, MONDO:0013995, OMIM 614972.
Progressive familial intrahepatic cholestasis type 3. Also called: Low Gamma-GT Familial Intrahepatic Cholestasis; MDR3 DEFICIENCY. Identifiers: Orphanet 79305, MedGen C1865643, MONDO:0011214, OMIM 602347.

Allele frequency attached by ClinVar (database versions not stated): gnomAD exomes 0.00003; ExAC 0.00002; TOPMed 0.00002; gnomAD 0.00004 and 0.00003; 1000 Genomes Project 0.00020; 1000 Genomes Project 30x 0.00031.
gnomAD v4.1: 44 of 1,614,074 alleles (0.0027%); highest among the groups gnomAD compares: Middle Eastern, 0.016%; no homozygotes.

Submissions (5):

Dasa
Classification: Likely pathogenic. Last evaluated: 2026-04-27. Review status: criteria provided, single submitter. Criteria: DASA Assertion Criteria. Collection method: clinical testing. Allele origin: germline.
Comment: NM_000443.4(ABCB4):c.1778C>T (p.Thr593Met) is a missense variant that results in the substitution of threonine with methionine. The affected residue or protein region has prior evidence supporting clinical relevance. This variant has been recurrently observed in individuals with ABCB4-related disorders (PMID: 36277956; PMID: 23533021; PMID: 32581362; PMID: 35626323; PMID: 17726488). Also, this variant is rare in population databases. Computational evidence supports a deleterious effect. Based on the currently available evidence, this variant is classified as likely pathogenic.

Genomenon, Inc
Classification: Uncertain significance for Familial intrahepatic cholestasis; Low phospholipid associated cholelithiasis. Last evaluated: 2026-04-14. Review status: criteria provided, single submitter. Criteria: Genomenon Sequence Variant Interpretation Standards - Updated. Collection method: curation. Allele origin: germline. Affected: yes.
Comment: ABCB4 p.Thr593Met (c.1778C>T) is a missense variant that changes the amino acid at residue 593 from Threonine to Methionine. This variant has been observed in at least one proband with an ABCB4-related disorder (PMID:32581362;23533021). It is absent or not present at a significant frequency in gnomAD. In silico models predict that this variant is possibly or probably damaging. In conclusion, we classify ABCB4 p.Thr593Met (c.1778C>T) as a variant of uncertain significance.

Fulgent Genetics
Classification: Likely pathogenic for Low phospholipid associated cholelithiasis; Progressive familial intrahepatic cholestasis type 3; Cholestasis, intrahepatic, of pregnancy, 3. Last evaluated: 2024-03-14. Review status: criteria provided, single submitter. Criteria: ACMG Guidelines, 2015. Collection method: clinical testing. Allele origin: germline.

PreventionGenetics, part of Exact Sciences
Classification: Uncertain significance for ABCB4-related condition. Last evaluated: 2024-02-01. Review status: no assertion criteria provided. Collection method: clinical testing. Allele origin: germline. Not counted in ClinVar's aggregate classification.
Comment: The ABCB4 c.1778C>T variant is predicted to result in the amino acid substitution p.Thr593Met. This variant was reported in the heterozygous state in an individual with low phospholipid-associated cholelithiasis (Poupon et al. 2013. PubMed ID: 23533021). This variant was also reported in the heterozygous state to be associated with intrahepatic cholestasis of pregnancy, although detailed clinical information was not available (Table S2, Turro et al. 2020. PubMed ID: 32581362). This variant is reported in 0.015% of alleles in individuals of East Asian descent in gnomAD. A different nucleotide substitution affecting the same amino acid (p.Thr593Ala) has been documented in the heterozygous state in an individual with progressive familial intrahepatic cholestasis (Degiorgio et al. 2007. PubMed ID: 17726488). Although we suspect that the c.1778C>T (p.Thr593Met) variant may be pathogenic, at this time, the clinical significance of this variant is uncertain due to the absence of conclusive functional and genetic evidence.

NIHR Bioresource Rare Diseases, University of Cambridge
Classification: Likely pathogenic for Cholestasis, intrahepatic, of pregnancy, 3. Review status: no assertion criteria provided. Collection method: research. Allele origin: unknown. Affected: yes. Observed: 1 variant allele. Not counted in ClinVar's aggregate classification.

Literature cited by the submitters: PubMed 36277956 (cited by Dasa); PubMed 23533021 (cited by Dasa and Genomenon, Inc); PubMed 32581362 (cited by 3 submitters); PubMed 35626323 (cited by Dasa); PubMed 17726488 (cited by Dasa); PubMed 21119540 (cited by Dasa).